The following is an entry in ClinVar:

NM_014921.5(ADGRL1):c.1291C>T (p.Arg431Trp)

Genes: ADGRL1 (adhesion G protein-coupled receptor L1; minus strand), ADGRL1-AS1 (ADGRL1 antisense RNA 1; plus strand). Cytogenetic location: 19p13.12.
Variant type: single nucleotide variant.
Coding change: c.1291C>T on transcript NM_014921.5 (MANE Select); coding-DNA position 1291, C replaced by T.
Protein change: p.Arg431Trp; replaces arginine 431 with tryptophan.
Molecular consequence: missense variant.
Genome position (GRCh38, 1-based): chr19:14,161,531, G>A on the plus strand (C>T on the coding strand, the complement: ADGRL1 is on the minus strand). VCF-style: chr19-14161531-G-A. GRCh37 (hg19) VCF-style: chr19-14272343-G-A.
Other names: c.1306C>T, p.Arg436Trp (NM_001008701.3); short protein forms R431W, R436W.
Identifiers: ClinVar variation 5039268 (VCV005039268.1).

ClinVar aggregate classification (germline): Likely benign (1 of 4 stars; one submission).

gnomAD v4.1: 22 of 1,449,796 alleles (0.0015%); highest among the groups gnomAD compares: African/African-American, 0.0044%; no homozygotes.

Submission:

CeGaT Center for Human Genetics Tuebingen
Classification: Likely benign. Last evaluated: 2026-08-01. Review status: criteria provided, single submitter. Criteria: CeGaT Center For Human Genetics Tuebingen Variant Classification Criteria Version 2. Collection method: clinical testing. Allele origin: germline. Affected: yes. Observed: 1 variant allele.
Comment: ADGRL1: BS2